The following is an entry in ClinVar:

ClinVar aggregate classification (germline): Uncertain significance (1 of 4 stars; one submission).

Submission:

Labcorp Genetics (formerly Invitae), Labcorp
Classification: Uncertain significance. Last evaluated: 2022-03-11. Review status: criteria provided, single submitter. Criteria: Invitae Variant Classification Sherloc (09022015). Collection method: clinical testing. Allele origin: germline.
Comment: This sequence change replaces glutamic acid, which is acidic and polar, with glycine, which is neutral and non-polar, at codon 1285 of the COL18A1 protein (p.Glu1285Gly). This variant is not present in population databases (gnomAD no frequency). This variant has not been reported in the literature in individuals affected with COL18A1-related conditions. Experimental studies and prediction algorithms are not available or were not evaluated, and the functional significance of this variant is currently unknown. In summary, the available evidence is currently insufficient to determine the role of this variant in disease. Therefore, it has been classified as a Variant of Uncertain Significance.

NM_001379500.1(COL18A1):c.3863A>G (p.Glu1288Gly)

Genes: COL18A1 (collagen type XVIII alpha 1 chain; plus strand), SLC19A1 (solute carrier family 19 member 1; minus strand). Cytogenetic location: 21q22.3.
Variant type: single nucleotide variant.
Coding change: c.3863A>G on transcript NM_001379500.1 (MANE Select); coding-DNA position 3863, A replaced by G.
Protein change: p.Glu1288Gly; replaces glutamic acid 1288 with glycine.
Molecular consequence: missense variant.
Genome position (GRCh38, 1-based): chr21:45,512,241, A>G. VCF-style: chr21-45512241-A-G. GRCh37 (hg19) VCF-style: chr21-46932155-A-G.
Other names: c.4394A>G, p.Glu1465Gly (NM_030582.4); c.5099A>G, p.Glu1700Gly (NM_130444.3); short protein forms E1288G, E1465G, E1700G.
Identifiers: ClinVar variation 2109487 (VCV002109487.4), dbSNP rs2517888683, ClinGen allele CA410502205.